The following is an entry in ClinVar:

ClinVar aggregate classification (germline): Conflicting classifications of pathogenicity. Review status: criteria provided, conflicting classifications (1 of 4 stars). 3 submissions from 3 submitters: Uncertain significance (1); Likely benign (1). 1 of the submissions does not count toward it. Last evaluated 2025-10-12.

Conditions:
SPEG-related disorder. Also called: SPEG-related condition.
Inborn genetic diseases. Identifiers: MedGen C0950123, MeSH D030342.

Allele frequency attached by ClinVar (database versions not stated): gnomAD exomes 0.00011 and 0.00021; ExAC 0.00024; 1000 Genomes Project 30x 0.00031; 1000 Genomes Project 0.00040; ESP Exome Variant Server 0.00058; gnomAD 0.00089 and 0.00099; TOPMed 0.00102.

Submissions (3):

Labcorp Genetics (formerly Invitae), Labcorp
Classification: Likely benign. Last evaluated: 2025-10-12. Review status: criteria provided, single submitter. Criteria: Invitae Variant Classification Sherloc (09022015). Collection method: clinical testing. Allele origin: germline.

Ambry Genetics
Classification: Uncertain significance for Inborn genetic diseases. Last evaluated: 2024-03-19. Review status: criteria provided, single submitter. Criteria: Ambry Variant Classification Scheme 2023. Collection method: clinical testing. Allele origin: germline.

PreventionGenetics, part of Exact Sciences
Classification: Likely benign for SPEG-related condition. Last evaluated: 2024-06-20. Review status: no assertion criteria provided. Collection method: clinical testing. Allele origin: germline. Not counted in ClinVar's aggregate classification.
Comment: This variant is classified as likely benign based on ACMG/AMP sequence variant interpretation guidelines (Richards et al. 2015 PMID: 25741868, with internal and published modifications).

NM_005876.5(SPEG):c.8410G>A (p.Ala2804Thr)

Genes: ASIC4-AS1 (ASIC4 antisense RNA 1; minus strand), SPEG (striated muscle enriched protein kinase; plus strand). Cytogenetic location: 2q35.
Variant type: single nucleotide variant.
Coding change: c.8410G>A on transcript NM_005876.5 (MANE Select); coding-DNA position 8410, G replaced by A.
Protein change: p.Ala2804Thr; replaces alanine 2804 with threonine.
Molecular consequence: missense variant.
Genome position (GRCh38, 1-based): chr2:219,489,428, G>A. VCF-style: chr2-219489428-G-A. GRCh37 (hg19) VCF-style: chr2-220354150-G-A.
Other names: short protein forms A2804T.
Identifiers: ClinVar variation 747230 (VCV000747230.10), dbSNP rs201228075, ClinGen allele CA2127488.
Genomic context (GRCh38, chr2:219,489,428, plus strand): 5'-GAGGCCCCTGTCACCTCAAGGCCAGCCAGGGCCCGGCCTCCTGACTCTCCTACCTCACTG[G>A]CCCCACCCCTAGCTCCTGCTGCCCCCACACCCCCGTCAGTCACTGTCAGCCCCTCATCTC-3'
Protein context (NP_005867.3, residues 2794-2814): ARPPDSPTSL[Ala2804Thr]PPLAPAAPTP